The following is an entry in ClinVar:

ClinVar aggregate classification (germline): Pathogenic. Review status: criteria provided, single submitter (1 of 4 stars). 2 submissions from 2 submitters: Pathogenic (1). 1 of the submissions does not count toward it. Last evaluated 2024-04-26.

Conditions:
GRN-related frontotemporal lobar degeneration with Tdp43 inclusions (FTD2). Also called: GRN Frontotemporal Dementia; DEMENTIA, HEREDITARY DYSPHASIC DISINHIBITION; FRONTOTEMPORAL LOBAR DEGENERATION WITH UBIQUITIN-POSITIVE INCLUSIONS; FTLD-TDP, GRN-RELATED; FRONTOTEMPORAL DEMENTIA WITH TDP43 INCLUSIONS, GRN-RELATED. Identifiers: Orphanet 100070, Orphanet 282, MedGen C1843792, MONDO:0011842, OMIM 607485. Disease mechanism: loss of function.
Neuronal ceroid lipofuscinosis 11. Also called: GRN-Related Neuronal Ceroid-Lipofuscinosis. Identifiers: Orphanet 314629, Orphanet 79262, MedGen C3539123, MONDO:0013866, OMIM 614706.
GRN-related disorder. Also called: GRN-related condition; GRN-related disorders.

Submissions (2):

Labcorp Genetics (formerly Invitae), Labcorp
Classification: Pathogenic for Neuronal ceroid lipofuscinosis 11; GRN-related frontotemporal lobar degeneration with Tdp43 inclusions. Last evaluated: 2024-04-26. Review status: criteria provided, single submitter. Criteria: Invitae Variant Classification Sherloc (09022015). Collection method: clinical testing. Allele origin: germline.
Comment: This sequence change creates a premature translational stop signal (p.Cys389Serfs*24) in the GRN gene. It is expected to result in an absent or disrupted protein product. Loss-of-function variants in GRN are known to be pathogenic (PMID: 16862116, 16950801, 22608501). This variant is not present in population databases (gnomAD no frequency). This variant has not been reported in the literature in individuals affected with GRN-related conditions. For these reasons, this variant has been classified as Pathogenic.

PreventionGenetics, part of Exact Sciences
Classification: Likely pathogenic for GRN-related condition. Last evaluated: 2024-07-28. Review status: no assertion criteria provided. Collection method: clinical testing. Allele origin: germline. Not counted in ClinVar's aggregate classification.
Comment: The GRN c.1166_1167delGT variant is predicted to result in a frameshift and premature protein termination (p.Cys389Serfs*24). To our knowledge, this variant has not been reported in the literature or in a large population database, indicating this variant is rare. Frameshift variants in GRN are expected to be pathogenic. This variant is interpreted as likely pathogenic.

Literature cited by the submitters: PubMed 16862116 (cited by Labcorp Genetics (formerly Invitae), Labcorp); PubMed 16950801 (cited by Labcorp Genetics (formerly Invitae), Labcorp); PubMed 22608501 (cited by Labcorp Genetics (formerly Invitae), Labcorp).

NM_002087.4(GRN):c.1166_1167del (p.Cys389fs)

Gene: GRN (granulin precursor; plus strand). Cytogenetic location: 17q21.31.
Variant type: Deletion.
Coding change: c.1166_1167del on transcript NM_002087.4 (MANE Select); coding-DNA positions 1166 to 1167, 2 bases deleted (GT; older notation c.1166_1167delGT).
Protein change: p.Cys389fs; shifts the reading frame from cysteine 389.
Molecular consequence: frameshift variant.
Genome position (GRCh38, 1-based): chr17:44,351,782-44,351,783, GT deleted; deleting any 2 consecutive bases within chr17:44,351,781-44,351,783 gives the same sequence; the c. name uses the placement nearest the transcript's 3' end. VCF-style (leftmost placement, unchanged base first): chr17-44351780-CTG-C. GRCh37 (hg19) VCF-style: chr17-42429148-CTG-C.
Other names: short protein forms C389fs.
Identifiers: ClinVar variation 3346594 (VCV003346594.3).